The following is an entry in ClinVar:

ClinVar aggregate classification (germline): Pathogenic (1 of 4 stars; one submission).

Conditions:
Familial adenomatous polyposis 2. Also called: FAP type 2; COLORECTAL ADENOMATOUS POLYPOSIS, AUTOSOMAL RECESSIVE; ADENOMAS, MULTIPLE COLORECTAL, AUTOSOMAL RECESSIVE; MYH-associated polyposis; MUTYH Polyposis; Adenomas, multiple colorectal. Identifiers: Orphanet 220460, Orphanet 247798, MedGen C3272841, MONDO:0012041, OMIM 608456.

Submission:

Labcorp Genetics (formerly Invitae), Labcorp
Classification: Pathogenic for Familial adenomatous polyposis 2. Last evaluated: 2025-08-30. Review status: criteria provided, single submitter. Criteria: Invitae Variant Classification Sherloc (09022015). Collection method: clinical testing. Allele origin: germline.
Comment: This sequence change creates a premature translational stop signal (p.Leu341Profs*63) in the MUTYH gene. It is expected to result in an absent or disrupted protein product. Loss-of-function variants in MUTYH are known to be pathogenic (PMID: 18534194, 20663686). This variant is not present in population databases (gnomAD no frequency). This variant has not been reported in the literature in individuals affected with MUTYH-related conditions. For these reasons, this variant has been classified as Pathogenic.

Literature cited by the submitters: PubMed 18534194; PubMed 20663686.

NM_001048174.2(MUTYH):c.938_950del (p.Leu313fs)

Gene: MUTYH (mutY DNA glycosylase; minus strand). Cytogenetic location: 1p34.1.
Variant type: Deletion.
Coding change: c.938_950del on transcript NM_001048174.2 (MANE Select); coding-DNA positions 938 to 950, 13 bases deleted (TGTGCCTGCCTCC).
Protein change: p.Leu313fs; shifts the reading frame from leucine 313.
Molecular consequence: frameshift variant. On other transcripts: non-coding transcript variant (7).
Genome position (GRCh38, 1-based): chr1:45,331,813-45,331,825, GGAGGCAGGCACA deleted on the plus strand (TGTGCCTGCCTCC on the coding strand, the reverse complement: MUTYH is on the minus strand); deleting any 13 consecutive bases within chr1:45,331,813-45,331,827 gives the same sequence; the c. name uses the placement nearest the transcript's 3' end. VCF-style (leftmost placement, unchanged base first): chr1-45331812-GGGAGGCAGGCACA-G. GRCh37 (hg19) VCF-style: chr1-45797484-GGGAGGCAGGCACA-G.
Other names: c.941_953del, p.Leu314fs (NM_001407078.1, NM_001407086.1, NM_001048172.2 and 1 more transcripts); c.899_911del, p.Leu300fs (NM_001407079.1); c.896_908del, p.Leu299fs (NM_001407080.1); c.938_950del, p.Leu313fs (NM_001407081.1, NM_001407088.1, NM_001407089.1 and 6 more transcripts); c.593_605del, p.Leu198fs (NM_001407082.1, NM_001350650.2, NM_001350651.2); c.980_992del, p.Leu327fs (NM_001407083.1, NM_001407085.1); c.959_971del, p.Leu320fs (NM_001407087.1); c.662_674del, p.Leu221fs (NM_001407091.1, NM_001293192.2, NM_001293196.2); and 5 more; short protein forms L198fs, L300fs, L313fs, L338fs, L299fs, L314fs, L324fs, L285fs.
Identifiers: ClinVar variation 4726323 (VCV004726323.1).
Genomic context (GRCh38, chr1:45,331,812, plus strand): 5'-CTTGCGGCTGGCCTTTCTGGGGAAGTTGACCACTCCCAGGGTCTGGTCCCAGGGCTCCGA[GGGAGGCAGGCACA>G]GGTGGCACTGTCCAGTGTTGGGAGCTGGGAACGGAGATCCCCGAACCCTACTCAAGCCAA-3'